The following is an entry in ClinVar:

NM_030650.3(LNPK):c.361G>T (p.Glu121Ter)

Gene: LNPK (lunapark, ER junction formation factor; minus strand). Cytogenetic location: 2q31.1.
Variant type: single nucleotide variant.
Coding change: c.361G>T on transcript NM_030650.3 (MANE Select); coding-DNA position 361, G replaced by T.
Protein change: p.Glu121Ter; replaces glutamic acid 121 with a stop codon.
Molecular consequence: nonsense. On other transcripts: 5 prime UTR variant (1), non-coding transcript variant (1).
Genome position (GRCh38, 1-based): chr2:175,964,586, C>A on the plus strand (G>T on the coding strand, the complement: LNPK is on the minus strand). VCF-style: chr2-175964586-C-A. GRCh37 (hg19) VCF-style: chr2-176829314-C-A.
Other names: c.559G>T, p.Glu187Ter (NM_001305008.1); c.361G>T, p.Glu121Ter (NM_001305009.1); c.367G>T, p.Glu123Ter (NM_001305010.1); c.-9G>T (NM_001305011.2); c.[559G>T] (NM_001305008.1); short protein forms E121*, E123*, E187*.
Identifiers: ClinVar variation 1339220 (VCV001339220.2), dbSNP rs2105629680, ClinGen allele CA349695359.

ClinVar aggregate classification (germline): Likely pathogenic (1 of 4 stars; one submission).

Conditions:
Neurodevelopmental disorder with epilepsy and hypoplasia of the corpus callosum. Identifiers: MedGen C4748137, MONDO:0060761, OMIM 618090.

Submission:

Neuberg Centre For Genomic Medicine, NCGM
Classification: Likely pathogenic for Neurodevelopmental disorder with epilepsy and hypoplasia of the corpus callosum. Review status: criteria provided, single submitter. Criteria: ACMG Guidelines, 2015. Collection method: clinical testing. Allele origin: germline. Affected: yes.
Comment: The stop gained p.E187* in LNPK (NM_001305008.1) has not been reported previously as a pathogenic variant nor as a benign variant, to our knowledge. The p.E187* variant is novel (not in any individuals) in gnomAD Exomes and is novel (not in any individuals) in 1000 Genomes. This variant is predicted to cause loss of normal protein function through protein truncation. Loss of function mutations have been previously reported to be disease causing. For these reasons, this variant has been classified as Likely Pathogenic.